The following is an entry in ClinVar:

NM_016219.5(MAN1B1):c.630A>C (p.Gly210=)

Gene: MAN1B1 (mannosidase alpha class 1B member 1; plus strand). Cytogenetic location: 9q34.3.
Variant type: single nucleotide variant.
Coding change: c.630A>C on transcript NM_016219.5 (MANE Select); coding-DNA position 630, A replaced by C.
Protein change: p.Gly210=; no amino-acid change (glycine 210 retained).
Molecular consequence: synonymous variant. On other transcripts: non-coding transcript variant (2).
Genome position (GRCh38, 1-based): chr9:137,097,837, A>C. VCF-style: chr9-137097837-A-C. GRCh37 (hg19) VCF-style: chr9-139992289-A-C.
Other names: c.522A>C, p.Gly174= (NM_007230.1).
Identifiers: ClinVar variation 2659800 (VCV002659800.24), dbSNP rs757786698, ClinGen allele CA5358718.

ClinVar aggregate classification (germline): Likely benign (1 of 4 stars; one submission).

Allele frequency attached by ClinVar (database versions not stated): gnomAD exomes 0.00003; gnomAD 0.00005; TOPMed 0.00011.
gnomAD v4.1: 52 of 1,553,816 alleles (0.0033%); highest among the groups gnomAD compares: East Asian, 0.13%; no homozygotes.

Submission:

CeGaT Center for Human Genetics Tuebingen
Classification: Likely benign. Last evaluated: 2023-03-01. Review status: criteria provided, single submitter. Criteria: CeGaT Center For Human Genetics Tuebingen Variant Classification Criteria Version 2. Collection method: clinical testing. Allele origin: germline. Affected: yes. Observed: 1 variant allele.
Comment: MAN1B1: BP4, BP7